The following is an entry in ClinVar:

NM_000642.3(AGL):c.2001+8T>C

Gene: AGL (amylo-alpha-1,6-glucosidase and 4-alpha-glucanotransferase; plus strand). Cytogenetic location: 1p21.2.
Variant type: single nucleotide variant.
Coding change: c.2001+8T>C on transcript NM_000642.3 (MANE Select); 8 bases into the intron after coding-DNA position 2001, T replaced by C.
Molecular consequence: intron variant.
Genome position (GRCh38, 1-based): chr1:99,881,185, T>C. VCF-style: chr1-99881185-T-C. GRCh37 (hg19) VCF-style: chr1-100346741-T-C.
Other names: c.2001+8T>C (NM_000643.3, NM_000644.3, NM_001425326.1 and 2 more transcripts); c.1953+8T>C (NM_000646.3); c.1800+8T>C (NM_001425327.1); c.1797+8T>C (NM_001425328.1, NM_001425329.1); c.1623+8T>C (NM_001425332.1).
Identifiers: ClinVar variation 256725 (VCV000256725.25), dbSNP rs3736296, ClinGen allele CA966658.

ClinVar aggregate classification (germline): Benign. Review status: criteria provided, multiple submitters, no conflicts (2 of 4 stars). 9 submissions from 9 submitters: Benign (7). 2 of the submissions do not count toward it. Last evaluated 2026-02-04.

Conditions:
Glycogen storage disease type III (GSD3). Also called: FORBES DISEASE; Cori disease. Identifiers: Orphanet 366, MedGen C0017922, MONDO:0009291, OMIM 232400.

Allele frequency attached by ClinVar (database versions not stated): ESP Exome Variant Server 0.50415; gnomAD 0.51012 and 0.51611; TOPMed 0.51514; 1000 Genomes Project 30x 0.54809; ExAC 0.55171; gnomAD exomes 0.55320 and 0.55414; 1000 Genomes Project 0.55851.
gnomAD v4.1: 885,247 of 1,612,570 alleles (55%); highest among the groups gnomAD compares: East Asian, 68%; 245,309 homozygotes.

Submissions (9):

Labcorp Genetics (formerly Invitae), Labcorp
Classification: Benign for Glycogen storage disease type III. Last evaluated: 2026-02-04. Review status: criteria provided, single submitter. Criteria: Invitae Variant Classification Sherloc (09022015). Collection method: clinical testing. Allele origin: germline.

Blueprint Genetics
Classification: Benign. Last evaluated: 2024-11-26. Review status: criteria provided, single submitter. Criteria: ACMG Guidelines, 2015. Collection method: clinical testing. Allele origin: germline.

Genome-Nilou Lab
Classification: Benign for Glycogen storage disease type III. Last evaluated: 2021-07-14. Review status: criteria provided, single submitter. Criteria: ACMG Guidelines, 2015. Collection method: clinical testing. Allele origin: germline. Affected: no.

Illumina Laboratory Services, Illumina
Classification: Benign for Glycogen storage disease type III. Last evaluated: 2018-01-12. Review status: criteria provided, single submitter. Criteria: ICSL Variant Classification Criteria 13 December 2019. Collection method: clinical testing. Allele origin: germline.
Comment: This variant was observed in the ICSL laboratory as part of a predisposition screen in an ostensibly healthy population. It had not been previously curated by ICSL or reported in the Human Gene Mutation Database (HGMD: prior to June 1st, 2018), and was therefore a candidate for classification through an automated scoring system. Utilizing variant allele frequency, disease prevalence and penetrance estimates, and inheritance mode, an automated score was calculated to assess if this variant is too frequent to cause the disease. Based on the score and internal cut-off values, a variant classified as benign is not then subjected to further curation. The score for this variant resulted in a classification of benign for this disease.

GeneDx
Classification: Benign. Last evaluated: 2015-12-02. Review status: criteria provided, single submitter. Criteria: GeneDx Variant Classification (06012015). Collection method: clinical testing. Allele origin: germline. Affected: yes.
Comment: This variant is considered likely benign or benign based on one or more of the following criteria: it is a conservative change, it occurs at a poorly conserved position in the protein, it is predicted to be benign by multiple in silico algorithms, and/or has population frequency not consistent with disease.

Breakthrough Genomics
Classification: Benign. Review status: criteria provided, single submitter. Criteria: ACMG Guidelines, 2015. Collection method: not provided. Allele origin: germline. Inheritance: Autosomal recessive inheritance. Affected: yes.

PreventionGenetics, part of Exact Sciences
Classification: Benign. Review status: criteria provided, single submitter. Criteria: ACMG Guidelines, 2015. Collection method: clinical testing. Allele origin: germline.

Natera, Inc.
Classification: Benign for Glycogen storage disease type III. Last evaluated: 2020-09-16. Review status: no assertion criteria provided. Collection method: clinical testing. Allele origin: germline. Not counted in ClinVar's aggregate classification.

Mayo Clinic Laboratories, Mayo Clinic
Classification: Benign. Last evaluated: 2015-10-22. Review status: no assertion criteria provided. Collection method: clinical testing. Allele origin: unknown. Not counted in ClinVar's aggregate classification.